The following is an entry in ClinVar:

NM_000093.5(COL5A1):c.4123-302C>G

Gene: COL5A1 (collagen type V alpha 1 chain; plus strand). Cytogenetic location: 9q34.3.
Variant type: single nucleotide variant.
Coding change: c.4123-302C>G on transcript NM_000093.5 (MANE Select); 302 bases into the intron before coding-DNA position 4123, C replaced by G.
Molecular consequence: intron variant.
Genome position (GRCh38, 1-based): chr9:134,816,724, C>G. VCF-style: chr9-134816724-C-G. GRCh37 (hg19) VCF-style: chr9-137708570-C-G.
Other names: c.4123-302C>G (NM_001278074.1).
Identifiers: ClinVar variation 672868 (VCV000672868.1), dbSNP rs115918918, ClinGen allele CA201091655.

ClinVar aggregate classification (germline): Likely benign (1 of 4 stars; one submission).

Allele frequency attached by ClinVar (database versions not stated): 1000 Genomes Project 0.00739; 1000 Genomes Project 30x 0.00859; gnomAD 0.00859 and 0.00920; TOPMed 0.00961.
gnomAD v4.1: 1,295 of 152,364 alleles (0.85%); highest among the groups gnomAD compares: African/African-American, 2.9%; 23 homozygotes.

Submission:

GeneDx
Classification: Likely benign. Last evaluated: 2018-06-14. Review status: criteria provided, single submitter. Criteria: GeneDx Variant Classification (06012015). Collection method: clinical testing. Allele origin: germline. Affected: yes.
Comment: This variant is considered likely benign or benign based on one or more of the following criteria: it is a conservative change, it occurs at a poorly conserved position in the protein, it is predicted to be benign by multiple in silico algorithms, and/or has population frequency not consistent with disease.